The following is an entry in ClinVar:

ClinVar aggregate classification (germline): Conflicting classifications of pathogenicity. Review status: criteria provided, conflicting classifications (1 of 4 stars). 9 submissions from 9 submitters: Likely pathogenic (4); Uncertain significance (4). 1 of the submissions does not count toward it. Last evaluated 2025-12-15.

Conditions:
Hereditary cancer-predisposing syndrome. Also called: Neoplastic Syndromes, Hereditary; Hereditary Cancer Syndrome; Tumor predisposition; Hereditary neoplastic syndrome. Identifiers: Orphanet 140162, MedGen C0027672, MeSH D009386, MONDO:0015356.
Familial cancer of breast. Also called: hereditary breast carcinoma; Hereditary breast cancer; BREAST CANCER, FAMILIAL. Identifiers: Orphanet 227535, MedGen C0346153, MONDO:0016419, OMIM 114480. Disease mechanism: loss of function.
Ataxia-telangiectasia syndrome (AT). Also called: LOUIS-BAR SYNDROME; Ataxia-telangiectasia, complementation group D; AT, COMPLEMENTATION GROUP C; Ataxia-telangiectasia, complementation group E; Ataxia telangiectasia (A-T); Cerebello-oculocutaneous telangiectasia. Identifiers: Orphanet 100, MedGen C0004135, MONDO:0008840, OMIM 208900.
ATM-related disorder. Also called: ATM-related disorders; ATM-related condition.

Allele frequency attached by ClinVar (database versions not stated): gnomAD exomes below 0.00001; gnomAD 0.00001; TOPMed 0.00001.
gnomAD v4.1: 3 of 1,613,164 alleles (0.00019%); highest among the groups gnomAD compares: African/African-American, 0.004%; no homozygotes.

Submissions (9):

Ambry Genetics
Classification: Likely pathogenic for Hereditary cancer-predisposing syndrome. Last evaluated: 2025-12-15. Review status: criteria provided, single submitter. Criteria: Ambry Variant Classification Scheme 2023. Collection method: clinical testing. Allele origin: germline.
Comment: The c.2838+4A>G intronic variant results from an A to G substitution 4 nucleotides after coding exon 17 in the ATM gene. This nucleotide position is highly conserved in available vertebrate species. In silico splice site analysis predicts that this alteration will weaken the native splice donor site. RNA studies have demonstrated that this alteration results in abnormal splicing in the set of samples tested (Ambry internal data). Based on the majority of available evidence to date, this variant is likely to be pathogenic.

Labcorp Genetics (formerly Invitae), Labcorp
Classification: Likely pathogenic for Ataxia-telangiectasia syndrome. Last evaluated: 2025-07-10. Review status: criteria provided, single submitter. Criteria: Invitae Variant Classification Sherloc (09022015). Collection method: clinical testing. Allele origin: germline.
Comment: This sequence change falls in intron 18 of the ATM gene. It does not directly change the encoded amino acid sequence of the ATM protein. RNA analysis indicates that this variant induces altered splicing and may result in an absent or altered protein product. This variant is present in population databases (no rsID available, gnomAD 0.007%). This variant has not been reported in the literature in individuals affected with ATM-related conditions. ClinVar contains an entry for this variant (Variation ID: 232661). Variants that disrupt the consensus splice site are a relatively common cause of aberrant splicing (PMID: 17576681, 9536098). Studies have shown that this variant results in skipping of exon 18 , and produces a non-functional protein and/or introduces a premature termination codon (internal data). In summary, the currently available evidence indicates that the variant is pathogenic, but additional data are needed to prove that conclusively. Therefore, this variant has been classified as Likely Pathogenic.

Women's Health and Genetics/Laboratory Corporation of America, LabCorp
Classification: Likely pathogenic for Ataxia-telangiectasia syndrome. Last evaluated: 2024-12-19. Review status: criteria provided, single submitter. Criteria: LabCorp Variant Classification Summary - May 2015. Collection method: clinical testing. Allele origin: germline.
Comment: Variant summary: ATM c.2838+4A>G alters a conserved nucleotide located close to a canonical splice site and therefore could affect mRNA splicing, leading to a significantly altered protein sequence. Several computational tools predict a significant impact on normal splicing: Two predict the variant weakens a 5' donor site. Two predict the variant abolishes a 5' splicing donor site. Internal RNA splicing evidence found that this variant affects mRNA splicing in at least 1 individual, resulting in out of frame skipping of exon 18, which is expected to result in nonsense mediated decay (Labcorp, formerly Invitae). The variant allele was found at a frequency of 4e-06 in 251224 control chromosomes. To our knowledge, no occurrence of c.2838+4A>G in individuals affected with Ataxia-Telangiectasia has been reported in the literature. ClinVar contains an entry for this variant (Variation ID: 232661). Based on the evidence outlined above, the variant was classified as likely pathogenic.

GeneDx
Classification: Likely pathogenic. Last evaluated: 2024-08-29. Review status: criteria provided, single submitter. Criteria: GeneDx Variant Classification Process June 2021. Collection method: clinical testing. Allele origin: germline. Affected: yes.
Comment: RNA studies demonstrate a damaging effect: aberrant splicing resulting in exon skipping and a predicted null allele (External communication with Ambry Genetics and Invitae); Observed with a second ATM variant in a patient with ataxia telangiectasia but it is not known whether the variants occurred on the same (in cis) or on different (in trans) chromosomes (Villagaray-Pacheco N. 8-years experience with ataxia telangiectasia: A series of 7 cases. Ro J Neurol., 2021); Not observed at significant frequency in large population cohorts (gnomAD); In silico analysis supports a deleterious effect on splicing; This variant is associated with the following publications: (PMID: Villagaray-Pacheco2021[article])

Baylor Genetics
Classification: Uncertain significance for Familial cancer of breast. Last evaluated: 2023-10-31. Review status: criteria provided, single submitter. Criteria: ACMG Guidelines, 2015. Collection method: clinical testing. Allele origin: unknown.

PreventionGenetics, part of Exact Sciences
Classification: Uncertain significance for ATM-related condition. Last evaluated: 2022-10-26. Review status: criteria provided, single submitter. Criteria: ACMG Guidelines, 2015. Collection method: clinical testing. Allele origin: germline.
Comment: The ATM c.2838+4A>G variant is predicted to interfere with splicing. This variant is predicted to disrupt splicing at a consensus splice site based on splicing prediction programs (Alamut Visual Plus v.1.6.1). However, these prediction programs are not equivalent to functional evidence. To our knowledge, this variant has not been reported in the literature. This variant is reported in 0.0062% of alleles in individuals of African descent in gnomAD and has been interpreted as uncertain in ClinVar. Of note, other variants impacting the c.2838 consensus splice site (c.2838G>T, c.2838+1G>A, and c.2838+6T>C) have been documented in patients with breast cancer (Patient MK1C in Table S1, Hamameh et al. 2017. PubMed ID: 28486781), ataxia telangiectasia (referred to as IVS18+1G>A in Buzin et al. 2003. PubMed ID: 12552559), and dystonia (Patient IS-DYS-094 in Suppl. Table 2, Zech et al. 2020. PubMed ID: 33098801), respectively. At this time, the clinical significance of the c.2838+4A>G variant is uncertain due to the absence of conclusive functional and genetic evidence.

Blueprint Genetics
Classification: Uncertain significance. Last evaluated: 2021-10-27. Review status: criteria provided, single submitter. Criteria: ACMG Guidelines, 2015. Collection method: clinical testing. Allele origin: germline.

Color Diagnostics, LLC DBA Color Health
Classification: Uncertain significance for Hereditary cancer-predisposing syndrome. Last evaluated: 2019-04-10. Review status: criteria provided, single submitter. Criteria: ACMG Guidelines, 2015. Collection method: clinical testing. Allele origin: germline.

Natera, Inc.
Classification: Uncertain significance for Ataxia-telangiectasia. Last evaluated: 2021-01-26. Review status: no assertion criteria provided. Collection method: clinical testing. Allele origin: germline. Not counted in ClinVar's aggregate classification.

Literature cited by the submitters: PubMed 17576681 (cited by Labcorp Genetics (formerly Invitae), Labcorp); PubMed 9536098 (cited by Labcorp Genetics (formerly Invitae), Labcorp).

NM_000051.4(ATM):c.2838+4A>G

Gene: ATM (ATM serine/threonine kinase; plus strand). Cytogenetic location: 11q22.3.
Variant type: single nucleotide variant.
Coding change: c.2838+4A>G on transcript NM_000051.4 (MANE Select); 4 bases into the intron after coding-DNA position 2838, A replaced by G.
Molecular consequence: intron variant.
Genome position (GRCh38, 1-based): chr11:108,268,613, A>G. VCF-style: chr11-108268613-A-G. GRCh37 (hg19) VCF-style: chr11-108139340-A-G.
Other names: c.2838+4A>G (NM_001351834.2).
Identifiers: ClinVar variation 232661 (VCV000232661.29), dbSNP rs876659907, ClinGen allele CA10579072.